The following is an entry in ClinVar:

ClinVar aggregate classification (germline): Uncertain significance (1 of 4 stars; one submission).

Conditions:
Mosaic variegated aneuploidy syndrome 1 (MVA1). Also called: Warburton-Anyane-Yeboa syndrome. Identifiers: Orphanet 1052, MedGen C1850343, MONDO:0009759, OMIM 257300.

Allele frequency attached by ClinVar (database versions not stated): gnomAD exomes below 0.00001.
gnomAD v4.1: 1 of 1,614,064 alleles (0.000062%); highest among the groups gnomAD compares: Non-Finnish European, 0.000085%; no homozygotes.

Submission:

Labcorp Genetics (formerly Invitae), Labcorp
Classification: Uncertain significance for Mosaic variegated aneuploidy syndrome 1. Last evaluated: 2025-02-15. Review status: criteria provided, single submitter. Criteria: Invitae Variant Classification Sherloc (09022015). Collection method: clinical testing. Allele origin: germline.
Comment: This sequence change replaces serine, which is neutral and polar, with leucine, which is neutral and non-polar, at codon 157 of the BUB1B protein (p.Ser157Leu). This variant is not present in population databases (gnomAD no frequency). This variant has not been reported in the literature in individuals affected with BUB1B-related conditions. ClinVar contains an entry for this variant (Variation ID: 1406538). An algorithm developed to predict the effect of missense changes on protein structure and function (PolyPhen-2) suggests that this variant is likely to be disruptive. In summary, the available evidence is currently insufficient to determine the role of this variant in disease. Therefore, it has been classified as a Variant of Uncertain Significance.

NM_001211.6(BUB1B):c.470C>T (p.Ser157Leu)

Gene: BUB1B (BUB1 mitotic checkpoint serine/threonine kinase B; plus strand). Cytogenetic location: 15q15.1.
Variant type: single nucleotide variant.
Coding change: c.470C>T on transcript NM_001211.6 (MANE Select); coding-DNA position 470, C replaced by T.
Protein change: p.Ser157Leu; replaces serine 157 with leucine.
Molecular consequence: missense variant.
Genome position (GRCh38, 1-based): chr15:40,176,562, C>T. VCF-style: chr15-40176562-C-T. GRCh37 (hg19) VCF-style: chr15-40468763-C-T.
Other names: short protein forms S157L.
Identifiers: ClinVar variation 1406538 (VCV001406538.8), dbSNP rs2140885475, ClinGen allele CA391681228.